The following is an entry in ClinVar:

ClinVar aggregate classification (germline): Uncertain significance (1 of 4 stars; one submission).

Submission:

GeneDx
Classification: Uncertain significance. Last evaluated: 2026-01-09. Review status: criteria provided, single submitter. Criteria: GeneDx Variant Classification Process June 2021. Collection method: clinical testing. Allele origin: germline.
Comment: Not observed at significant frequency in large population cohorts (gnomAD); Frameshift variant predicted to result in protein truncation or nonsense mediated decay in a gene or region of a gene for which loss of function is not a well-established mechanism of disease; Has not been previously published as pathogenic or benign to our knowledge

NM_003136.4(SRP54):c.599_602del (p.Ser200fs)

Gene: SRP54 (signal recognition particle 54; plus strand). Cytogenetic location: 14q13.2.
Variant type: Deletion.
Coding change: c.599_602del on transcript NM_003136.4 (MANE Select); coding-DNA positions 599 to 602, 4 bases deleted (CTTT; older notation c.599_602delCTTT).
Protein change: p.Ser200fs; shifts the reading frame from serine 200.
Molecular consequence: frameshift variant.
Genome position (GRCh38, 1-based): chr14:35,011,622-35,011,625, CTTT deleted; deleting any 4 consecutive bases within chr14:35,011,621-35,011,625 gives the same sequence; the c. name uses the placement nearest the transcript's 3' end. VCF-style (leftmost placement, unchanged base first): chr14-35011620-CTCTT-C. GRCh37 (hg19) VCF-style: chr14-35480826-CTCTT-C.
Other names: c.452_455del, p.Ser151fs (NM_001146282.2); c.599_602del, p.Ser200fs (NM_001411017.1); short protein forms S151fs, S200fs.
Identifiers: ClinVar variation 3365238 (VCV003365238.2).